The following is an entry in ClinVar:

NM_001267550.2(TTN):c.44088C>A (p.Thr14696=)

Gene: TTN (titin; minus strand). Cytogenetic location: 2q31.2.
Variant type: single nucleotide variant.
Coding change: c.44088C>A on transcript NM_001267550.2 (MANE Select); coding-DNA position 44088, C replaced by A.
Protein change: p.Thr14696=; no amino-acid change (threonine 14696 retained).
Molecular consequence: synonymous variant.
Genome position (GRCh38, 1-based): chr2:178,630,870, G>T on the plus strand (C>A on the coding strand, the complement: TTN is on the minus strand). VCF-style: chr2-178630870-G-T. GRCh37 (hg19) VCF-style: chr2-179495597-G-T.
Other names: c.39165C>A, p.Thr13055= (NM_001256850.1); c.16893C>A, p.Thr5631= (NM_003319.4); c.36384C>A, p.Thr12128= (NM_133378.4); c.17268C>A, p.Thr5756= (NM_133432.3); c.17469C>A, p.Thr5823= (NM_133437.4).
Identifiers: ClinVar variation 809001 (VCV000809001.44), dbSNP rs749706106, ClinGen allele CA1995760.

ClinVar aggregate classification (germline): Likely benign. Review status: criteria provided, multiple submitters, no conflicts (2 of 4 stars). 2 submissions from 2 submitters: Likely benign (2). Last evaluated 2026-09-01.

Conditions:
Cardiovascular phenotype. Identifiers: MedGen CN230736.

Allele frequency attached by ClinVar (database versions not stated): gnomAD 0.00001.
gnomAD v4.1: 17 of 1,613,172 alleles (0.0011%); highest among the groups gnomAD compares: Non-Finnish European, 0.0014%; no homozygotes.

Submissions (2):

CeGaT Center for Human Genetics Tuebingen
Classification: Likely benign. Last evaluated: 2026-09-01. Review status: criteria provided, single submitter. Criteria: CeGaT Center For Human Genetics Tuebingen Variant Classification Criteria Version 2. Collection method: clinical testing. Allele origin: germline. Affected: yes. Observed: 4 variant alleles.
Comment: TTN: BP4, BP7

Ambry Genetics
Classification: Likely benign for Cardiovascular phenotype. Last evaluated: 2022-01-17. Review status: criteria provided, single submitter. Criteria: Ambry Variant Classification Scheme 2023. Collection method: clinical testing. Allele origin: germline.